The following is an entry in ClinVar:

NM_003486.7(SLC7A5):c.1290+6C>A

Genes: SLC7A5 (solute carrier family 7 member 5; minus strand), SLC7A5-AS1 (SLC7A5 antisense RNA 1; plus strand). Cytogenetic location: 16q24.2.
Variant type: single nucleotide variant.
Coding change: c.1290+6C>A on transcript NM_003486.7 (MANE Select); 6 bases into the intron after coding-DNA position 1290, C replaced by A.
Molecular consequence: intron variant.
Genome position (GRCh38, 1-based): chr16:87,836,492, G>T on the plus strand (C>A on the coding strand, the complement: SLC7A5 is on the minus strand). VCF-style: chr16-87836492-G-T. GRCh37 (hg19) VCF-style: chr16-87870098-G-T.
Identifiers: ClinVar variation 3037180 (VCV003037180.2), dbSNP rs371378644, ClinGen allele CA8222714.

ClinVar aggregate classification (germline): Likely benign (0 of 4 stars; one submission).

Conditions:
SLC7A5-related disorder. Also called: SLC7A5-related condition.

Allele frequency attached by ClinVar (database versions not stated): ExAC 0.00001; gnomAD 0.00002; TOPMed 0.00003; ESP Exome Variant Server 0.00008.
gnomAD v4.1: 40 of 1,609,310 alleles (0.0025%); highest among the groups gnomAD compares: Non-Finnish European, 0.0034%; no homozygotes.

Submission:

PreventionGenetics, part of Exact Sciences
Classification: Likely benign for SLC7A5-related condition. Last evaluated: 2019-05-02. Review status: no assertion criteria provided. Collection method: clinical testing. Allele origin: germline.
Comment: This variant is classified as likely benign based on ACMG/AMP sequence variant interpretation guidelines (Richards et al. 2015 PMID: 25741868, with internal and published modifications).